The following is an entry in ClinVar:

ClinVar aggregate classification (germline): Uncertain significance (1 of 4 stars; one submission).

Conditions:
Intellectual developmental disorder, autosomal dominant 1. Also called: MBD5 Haploinsufficiency; Intellectual disability, autosomal dominant 1. Identifiers: Orphanet 228402, MedGen C1969562, MONDO:0007974, OMIM 156200.

gnomAD v4.1: 3 of 1,614,206 alleles (0.00019%); highest among the groups gnomAD compares: Middle Eastern, 0.016%; no homozygotes.

Submission:

Labcorp Genetics (formerly Invitae), Labcorp
Classification: Uncertain significance for Intellectual developmental disorder, autosomal dominant 1. Last evaluated: 2025-07-29. Review status: criteria provided, single submitter. Criteria: Invitae Variant Classification Sherloc (09022015). Collection method: clinical testing. Allele origin: germline.
Comment: This sequence change replaces glutamic acid, which is acidic and polar, with glutamine, which is neutral and polar, at codon 1315 of the MBD5 protein (p.Glu1315Gln). This variant is present in population databases (rs775197626, gnomAD 0.006%). This variant has not been reported in the literature in individuals affected with MBD5-related conditions. Experimental studies and prediction algorithms are not available or were not evaluated, and the functional significance of this variant is currently unknown. In summary, the available evidence is currently insufficient to determine the role of this variant in disease. Therefore, it has been classified as a Variant of Uncertain Significance.

NM_001378120.1(MBD5):c.4642G>C (p.Glu1548Gln)

Gene: MBD5 (methyl-CpG binding domain protein 5; plus strand). Cytogenetic location: 2q23.1.
Variant type: single nucleotide variant.
Coding change: c.4642G>C on transcript NM_001378120.1 (MANE Select); coding-DNA position 4642, G replaced by C.
Protein change: p.Glu1548Gln; replaces glutamic acid 1548 with glutamine.
Molecular consequence: missense variant.
Genome position (GRCh38, 1-based): chr2:148,490,274, G>C. VCF-style: chr2-148490274-G-C. GRCh37 (hg19) VCF-style: chr2-149247843-G-C.
Other names: c.4642G>C, p.Glu1548Gln (NM_001438854.1, NM_001438856.1, NM_001438857.1 and 1 more transcripts); c.3943G>C, p.Glu1315Gln (NM_001438855.1, NM_001438859.1, NM_001438860.1 and 3 more transcripts); short protein forms E1315Q, E1548Q.
Identifiers: ClinVar variation 4768374 (VCV004768374.1).